The following is an entry in ClinVar:

ClinVar aggregate classification (germline): Uncertain significance. Review status: criteria provided, multiple submitters, no conflicts (2 of 4 stars). 2 submissions from 2 submitters: Uncertain significance (2). Last evaluated 2025-08-12.

Conditions:
Inborn genetic diseases. Identifiers: MedGen C0950123, MeSH D030342.

Submissions (2):

Ambry Genetics
Classification: Uncertain significance for Inborn genetic diseases. Last evaluated: 2025-08-12. Review status: criteria provided, single submitter. Criteria: Ambry Variant Classification Scheme 2023. Collection method: clinical testing. Allele origin: germline.

GeneDx
Classification: Uncertain significance. Last evaluated: 2024-04-12. Review status: criteria provided, single submitter. Criteria: GeneDx Variant Classification Process June 2021. Collection method: clinical testing. Allele origin: germline. Affected: yes.
Comment: Not observed at significant frequency in large population cohorts (gnomAD); In silico analysis supports that this missense variant has a deleterious effect on protein structure/function; Has not been previously published as pathogenic or benign to our knowledge

NM_001347721.2(DYRK1A):c.808C>T (p.Pro270Ser)

Gene: DYRK1A (dual specificity tyrosine phosphorylation regulated kinase 1A; plus strand). Cytogenetic location: 21q22.13.
Variant type: single nucleotide variant.
Coding change: c.808C>T on transcript NM_001347721.2 (MANE Select); coding-DNA position 808, C replaced by T.
Protein change: p.Pro270Ser; replaces proline 270 with serine.
Molecular consequence: missense variant.
Genome position (GRCh38, 1-based): chr21:37,490,345, C>T. VCF-style: chr21-37490345-C-T. GRCh37 (hg19) VCF-style: chr21-38862647-C-T.
Other names: c.808C>T, p.Pro270Ser (NM_001347722.2, NM_130436.2); c.721C>T, p.Pro241Ser (NM_001347723.2); c.835C>T, p.Pro279Ser (NM_001396.5, NM_101395.2, NM_130438.2); short protein forms P241S, P270S, P279S.
Identifiers: ClinVar variation 3372547 (VCV003372547.2).